The following is an entry in ClinVar:

NM_000059.4(BRCA2):c.7235C>T (p.Thr2412Ile)

Gene: BRCA2 (BRCA2 DNA repair associated; plus strand). Cytogenetic location: 13q13.1.
Variant type: single nucleotide variant.
Coding change: c.7235C>T on transcript NM_000059.4 (MANE Select); coding-DNA position 7235, C replaced by T.
Protein change: p.Thr2412Ile; replaces threonine 2412 with isoleucine.
Molecular consequence: missense variant.
Genome position (GRCh38, 1-based): chr13:32,355,088, C>T. VCF-style: chr13-32355088-C-T. GRCh37 (hg19) VCF-style: chr13-32929225-C-T.
Other names: 7463C>T; short protein forms T2412I.
Identifiers: ClinVar variation 38088 (VCV000038088.13), dbSNP rs397507384, ClinGen allele CA024985.

ClinVar aggregate classification (germline): Uncertain significance. Review status: criteria provided, multiple submitters, no conflicts (2 of 4 stars). 6 submissions from 6 submitters: Uncertain significance (5). 1 of the submissions does not count toward it. Last evaluated 2024-05-17.

Conditions:
Hereditary cancer-predisposing syndrome. Also called: Tumor predisposition; Neoplastic Syndromes, Hereditary; Hereditary neoplastic syndrome; Hereditary Cancer Syndrome. Identifiers: Orphanet 140162, MedGen C0027672, MeSH D009386, MONDO:0015356.
Hereditary breast ovarian cancer syndrome. Also called: Hereditary breast and ovarian cancer; Hereditary breast and ovarian cancer syndrome (HBOC); Hereditary breast and/or ovarian cancer syndrome; Breast and ovarian cancer; Hereditary breast and ovarian cancer syndrome; BRCA1- and BRCA2-Associated Hereditary Breast and Ovarian Cancer. Identifiers: Orphanet 145, MedGen C0677776, MeSH D061325, MONDO:0003582. Disease mechanism: loss of function.
Breast-ovarian cancer, familial, susceptibility to, 2 (BROVCA2). Also called: BRCA2 Hereditary Breast and Ovarian Cancer. Identifiers: Orphanet 145, MedGen C2675520, MONDO:0012933, OMIM 612555. Disease mechanism: loss of function.
Familial cancer of breast. Also called: Hereditary breast cancer; BREAST CANCER, FAMILIAL; hereditary breast carcinoma. Identifiers: Orphanet 227535, MedGen C0346153, MONDO:0016419, OMIM 114480. Disease mechanism: loss of function.

Allele frequency attached by ClinVar (database versions not stated): gnomAD exomes below 0.00001; ExAC 0.00001.
gnomAD v4.1: 2 of 1,613,922 alleles (0.00012%); highest among the groups gnomAD compares: South Asian, 0.0011%; no homozygotes.

Submissions (6):

Ambry Genetics
Classification: Uncertain significance for Hereditary cancer-predisposing syndrome. Last evaluated: 2024-05-17. Review status: criteria provided, single submitter. Criteria: Ambry Variant Classification Scheme 2023. Collection method: clinical testing. Allele origin: germline.
Comment: The p.T2412I variant (also known as c.7235C>T), located in coding exon 13 of the BRCA2 gene, results from a C to T substitution at nucleotide position 7235. The threonine at codon 2412 is replaced by isoleucine, an amino acid with similar properties. This amino acid position is well conserved in available vertebrate species. In addition, the in silico prediction for this alteration is inconclusive. Based on the available evidence, the clinical significance of this variant remains unclear.

Baylor Genetics
Classification: Uncertain significance for Familial cancer of breast. Last evaluated: 2024-02-21. Review status: criteria provided, single submitter. Criteria: ACMG Guidelines, 2015. Collection method: clinical testing. Allele origin: unknown.

Women's Health and Genetics/Laboratory Corporation of America, LabCorp
Classification: Uncertain significance. Last evaluated: 2021-12-14. Review status: criteria provided, single submitter. Criteria: LabCorp Variant Classification Summary - May 2015. Collection method: clinical testing. Allele origin: germline.
Comment: Variant summary: BRCA2 c.7235C>T (p.Thr2412Ile) results in a non-conservative amino acid change in the encoded protein sequence. Three of five in-silico tools predict a damaging effect of the variant on protein function. The variant allele was found at a frequency of 4e-06 in 251270 control chromosomes. The available data on variant occurrences in the general population are insufficient to allow any conclusion about variant significance. To our knowledge, no occurrence of c.7235C>T in individuals affected with Hereditary Breast And Ovarian Cancer Syndrome has been reported. At least one publication reports experimental evidence evaluating an impact on protein function (example, Ikegami_2020). These results showed no damaging effect of this variant on homology directed repair (HDR capacity) based on a high throughput cell based viability assay (MANO-B method) to evaluate drug sensitivity of the BRCA2 variants treated with PARP inhibitors (olaparib, niraparib, rucaparib and carboplatin) at various concentrations. Two clinical diagnostic laboratories have submitted clinical-significance assessments for this variant to ClinVar after 2014 without evidence for independent evaluation. All laboratories classified the variant as uncertain significance. Based on the evidence outlined above, the variant was classified as VUS-possibly benign.

Labcorp Genetics (formerly Invitae), Labcorp
Classification: Uncertain significance for Hereditary breast ovarian cancer syndrome. Last evaluated: 2021-11-05. Review status: criteria provided, single submitter. Criteria: Invitae Variant Classification Sherloc (09022015). Collection method: clinical testing. Allele origin: germline.
Comment: This sequence change replaces threonine, which is neutral and polar, with isoleucine, which is neutral and non-polar, at codon 2412 of the BRCA2 protein (p.Thr2412Ile). This variant is present in population databases (rs397507384, gnomAD 0.003%). This variant has not been reported in the literature in individuals affected with BRCA2-related conditions. ClinVar contains an entry for this variant (Variation ID: 38088). Advanced modeling of protein sequence and biophysical properties (such as structural, functional, and spatial information, amino acid conservation, physicochemical variation, residue mobility, and thermodynamic stability) performed at Invitae indicates that this missense variant is not expected to disrupt BRCA2 protein function. In summary, the available evidence is currently insufficient to determine the role of this variant in disease. Therefore, it has been classified as a Variant of Uncertain Significance.

Color Diagnostics, LLC DBA Color Health
Classification: Uncertain significance for Hereditary cancer-predisposing syndrome. Last evaluated: 2019-04-21. Review status: criteria provided, single submitter. Criteria: ACMG Guidelines, 2015. Collection method: clinical testing. Allele origin: germline.

Sharing Clinical Reports Project (SCRP)
Classification: Pathogenic for Breast-ovarian cancer, familial 2. Last evaluated: 2009-02-03. Review status: no assertion criteria provided. Collection method: clinical testing. Allele origin: germline. Not counted in ClinVar's aggregate classification.

Literature cited by the submitters: PubMed 32444794 (cited by Women's Health and Genetics/Laboratory Corporation of America, LabCorp).